The following is an entry in ClinVar:

NM_001353214.3(DYM):c.1626-1G>T

Gene: DYM (dymeclin; minus strand). Cytogenetic location: 18q21.1.
Variant type: single nucleotide variant.
Coding change: c.1626-1G>T on transcript NM_001353214.3 (MANE Select); the canonical splice acceptor site of the intron before coding-DNA position 1626, G replaced by T.
Molecular consequence: splice acceptor variant.
Genome position (GRCh38, 1-based): chr18:49,163,788, C>A on the plus strand (G>T on the coding strand, the complement: DYM is on the minus strand). VCF-style: chr18-49163788-C-A. GRCh37 (hg19) VCF-style: chr18-46690158-C-A.
Other names: c.1455-1G>T (NM_001374439.1); c.1620-1G>T (NM_001374429.1); c.1458-1G>T (NM_001353211.3, NM_001374438.1, NM_001374435.1 and 1 more transcripts); c.1623-1G>T (NM_001353212.3, NM_001353213.3); c.888-1G>T (NM_001374443.1); c.891-1G>T (NM_001374444.1, NM_001374442.1); c.1056-1G>T (NM_001374441.1); c.1233-1G>T (NM_001374440.1); and 5 more.
Identifiers: ClinVar variation 2742753 (VCV002742753.3), dbSNP rs2087501886, ClinGen allele CA402509366.

ClinVar aggregate classification (germline): Likely pathogenic (1 of 4 stars; one submission).

gnomAD v4.1: 2 of 1,600,142 alleles (0.00012%); highest among the groups gnomAD compares: Non-Finnish European, 0.000085%; no homozygotes.

Submission:

Labcorp Genetics (formerly Invitae), Labcorp
Classification: Likely pathogenic. Last evaluated: 2024-02-06. Review status: criteria provided, single submitter. Criteria: Invitae Variant Classification Sherloc (09022015). Collection method: clinical testing. Allele origin: germline.
Comment: This sequence change affects an acceptor splice site in intron 13 of the DYM gene. It is expected to disrupt RNA splicing. Variants that disrupt the donor or acceptor splice site typically lead to a loss of protein function (PMID: 16199547), and loss-of-function variants in DYM are known to be pathogenic (PMID: 12491225, 12554689, 18996921). This variant is not present in population databases (gnomAD no frequency). This variant has not been reported in the literature in individuals affected with DYM-related conditions. Algorithms developed to predict the effect of sequence changes on RNA splicing suggest that this variant may disrupt the consensus splice site. In summary, the currently available evidence indicates that the variant is pathogenic, but additional data are needed to prove that conclusively. Therefore, this variant has been classified as Likely Pathogenic.

Literature cited by the submitters: PubMed 16199547; PubMed 12491225; PubMed 12554689; PubMed 18996921.